The following is an entry in ClinVar:

NM_001206927.2(DNAH8):c.13916C>G (p.Pro4639Arg)

Gene: DNAH8 (dynein axonemal heavy chain 8; plus strand). Cytogenetic location: 6p21.2.
Variant type: single nucleotide variant.
Coding change: c.13916C>G on transcript NM_001206927.2 (MANE Select); coding-DNA position 13916, C replaced by G.
Protein change: p.Pro4639Arg; replaces proline 4639 with arginine.
Molecular consequence: missense variant.
Genome position (GRCh38, 1-based): chr6:39,030,184, C>G. VCF-style: chr6-39030184-C-G. GRCh37 (hg19) VCF-style: chr6-38997960-C-G.
Other names: c.13265C>G, p.Pro4422Arg (NM_001371.4); short protein forms P4422R, P4639R.
Identifiers: ClinVar variation 1712659 (VCV001712659.2), dbSNP rs747587475, ClinGen allele CA363999462.

ClinVar aggregate classification (germline): Uncertain significance (1 of 4 stars; one submission).

gnomAD v4.1: 2 of 1,614,132 alleles (0.00012%); highest among the groups gnomAD compares: Non-Finnish European, 0.000085%; no homozygotes.

Submission:

GeneDx
Classification: Uncertain significance. Last evaluated: 2022-04-29. Review status: criteria provided, single submitter. Criteria: GeneDx Variant Classification Process June 2021. Collection method: clinical testing. Allele origin: germline. Affected: yes.
Comment: Not observed at significant frequency in large population cohorts (gnomAD); In silico analysis supports that this missense variant has a deleterious effect on protein structure/function; Has not been previously published as pathogenic or benign to our knowledge